The following is an entry in ClinVar:

NM_000543.5(SMPD1):c.1406A>C (p.Tyr469Ser)

Gene: SMPD1 (sphingomyelin phosphodiesterase 1; plus strand). Cytogenetic location: 11p15.4.
Variant type: single nucleotide variant.
Coding change: c.1406A>C on transcript NM_000543.5 (MANE Select); coding-DNA position 1406, A replaced by C.
Protein change: p.Tyr469Ser; replaces tyrosine 469 with serine.
Molecular consequence: missense variant. On other transcripts: non-coding transcript variant (2).
Genome position (GRCh38, 1-based): chr11:6,393,961, A>C. VCF-style: chr11-6393961-A-C. GRCh37 (hg19) VCF-style: chr11-6415191-A-C.
Other names: Y467S; c.1403A>C, p.Tyr468Ser (NM_001007593.3); c.1406A>C, p.Tyr469Ser (NM_001318087.2); c.485A>C, p.Tyr162Ser (NM_001318088.2); c.1274A>C, p.Tyr425Ser (NM_001365135.2); short protein forms Y468S, Y469S, Y162S, Y425S.
Identifiers: ClinVar variation 2996 (VCV000002996.12), dbSNP rs267607074, ClinGen allele CA252530.

ClinVar aggregate classification (germline): Pathogenic/Likely pathogenic. Review status: criteria provided, multiple submitters, no conflicts (2 of 4 stars). 3 submissions from 3 submitters: Pathogenic (1); Likely pathogenic (1). 1 of the submissions does not count toward it. Last evaluated 2023-12-28.

Conditions:
Niemann-Pick disease, type B. Also called: Chronic Visceral ASMD (Niemann-Pick Disease Type B; NPD-B). Identifiers: Orphanet 77293, MedGen C0268243, MONDO:0011871, OMIM 607616. Disease mechanism: loss of function.
Niemann-Pick disease, type A. Also called: SPHINGOMYELIN LIPIDOSIS; SPHINGOMYELINASE DEFICIENCY; Infantile Neurovisceral ASMD (Niemann-Pick Disease Type A; NPD-A). Identifiers: Orphanet 77292, MedGen C0268242, MONDO:0009756, OMIM 257200. Disease mechanism: loss of function.

Submissions (3):

Baylor Genetics
Classification: Likely pathogenic for Niemann-Pick disease, type A. Last evaluated: 2023-12-28. Review status: criteria provided, single submitter. Criteria: ACMG Guidelines, 2015. Collection method: clinical testing. Allele origin: unknown.

Labcorp Genetics (formerly Invitae), Labcorp
Classification: Pathogenic for Niemann-Pick disease, type B; Niemann-Pick disease, type A. Last evaluated: 2022-10-11. Review status: criteria provided, single submitter. Criteria: Invitae Variant Classification Sherloc (09022015). Collection method: clinical testing. Allele origin: germline.
Comment: For these reasons, this variant has been classified as Pathogenic. Experimental studies have shown that this missense change affects SMPD1 function (PMID: 19405096). Advanced modeling of protein sequence and biophysical properties (such as structural, functional, and spatial information, amino acid conservation, physicochemical variation, residue mobility, and thermodynamic stability) performed at Invitae indicates that this missense variant is expected to disrupt SMPD1 protein function. ClinVar contains an entry for this variant (Variation ID: 2996). This variant is also known as Y467S. This missense change has been observed in individual(s) with Niemann-Pick A disease and/or Niemann-Pick B disease (PMID: 19405096, 30795770). This variant is not present in population databases (gnomAD no frequency). This sequence change replaces tyrosine, which is neutral and polar, with serine, which is neutral and polar, at codon 469 of the SMPD1 protein (p.Tyr469Ser).

OMIM
Classification: Pathogenic for NIEMANN-PICK DISEASE, TYPE A. Last evaluated: 2009-07-01. Review status: no assertion criteria provided. Collection method: literature only. Allele origin: germline. Not counted in ClinVar's aggregate classification.

Literature cited by the submitters: PubMed 19405096 (cited by Labcorp Genetics (formerly Invitae), Labcorp and OMIM); PubMed 30795770 (cited by Labcorp Genetics (formerly Invitae), Labcorp).